The following is an entry in ClinVar:

ClinVar aggregate classification (germline): Uncertain significance (1 of 4 stars; one submission).

Submission:

Labcorp Genetics (formerly Invitae), Labcorp
Classification: Uncertain significance. Last evaluated: 2024-05-16. Review status: criteria provided, single submitter. Criteria: Invitae Variant Classification Sherloc (09022015). Collection method: clinical testing. Allele origin: germline.
Comment: This sequence change replaces valine, which is neutral and non-polar, with isoleucine, which is neutral and non-polar, at codon 374 of the POGLUT1 protein (p.Val374Ile). This variant is not present in population databases (gnomAD no frequency). This variant has not been reported in the literature in individuals affected with POGLUT1-related conditions. Advanced modeling of protein sequence and biophysical properties (such as structural, functional, and spatial information, amino acid conservation, physicochemical variation, residue mobility, and thermodynamic stability) performed at Invitae indicates that this missense variant is not expected to disrupt POGLUT1 protein function with a negative predictive value of 80%. In summary, the available evidence is currently insufficient to determine the role of this variant in disease. Therefore, it has been classified as a Variant of Uncertain Significance.

NM_152305.3(POGLUT1):c.1120G>A (p.Val374Ile)

Gene: POGLUT1 (protein O-glucosyltransferase 1; plus strand). Cytogenetic location: 3q13.33.
Variant type: single nucleotide variant.
Coding change: c.1120G>A on transcript NM_152305.3 (MANE Select); coding-DNA position 1120, G replaced by A.
Protein change: p.Val374Ile; replaces valine 374 with isoleucine.
Molecular consequence: missense variant. On other transcripts: non-coding transcript variant (1).
Genome position (GRCh38, 1-based): chr3:119,492,379, G>A. VCF-style: chr3-119492379-G-A. GRCh37 (hg19) VCF-style: chr3-119211226-G-A.
Other names: short protein forms V374I.
Identifiers: ClinVar variation 3704759 (VCV003704759.2).
Genomic context (GRCh38, chr3:119,492,379, plus strand): 5'-GACATCACCTGTTACTGGGAGAACCTCTTGAGTGAATACTCTAAATTCCTGTCTTATAAT[G>A]TAACGAGAAGGAAAGGTTATGATCAAATTATTCCCAAAATGTTGAAAACTGAACTATAGT-3'
Protein context (NP_689518.1, residues 364-384): SEYSKFLSYN[Val374Ile]TRRKGYDQII